The following is an entry in ClinVar:

ClinVar aggregate classification (germline): Uncertain significance (1 of 4 stars; one submission).

Conditions:
Cornelia de Lange syndrome 1 (CDLS1). Also called: NIPBL-Related Cornelia de Lange Syndrome; TYPUS DEGENERATIVUS AMSTELODAMENSIS; Brachmann de Lange syndrome. Identifiers: Orphanet 199, MedGen C4551851, MONDO:0007387, OMIM 122470.

gnomAD v4.1: 4 of 1,613,812 alleles (0.00025%); highest among the groups gnomAD compares: Non-Finnish European, 0.00034%; no homozygotes.

Submission:

Victorian Clinical Genetics Services, Murdoch Childrens Research Institute
Classification: Uncertain significance for Cornelia de Lange syndrome 1. Last evaluated: 2019-08-28. Review status: criteria provided, single submitter. Criteria: ACMG Guidelines, 2015. Collection method: clinical testing. Allele origin: germline. Inheritance: Autosomal dominant inheritance. Affected: yes.
Comment: A heterozygous missense variant was identified, NM_133433.3(NIPBL):c.7414A>G in exon 44 of 47 of the NIPBL gene. This substitution is predicted to create a minor amino acid change from methionine to valine at position 2472 of the protein, NP_597677.2(NIPBL):p.(Met2472Val). The methionine at this position has high conservation (100 vertebrates, UCSC), but is not situated in a known functional domain. In silico software predictions of the pathogenicity of this variant are conflicting (Polyphen, SIFT, CADD, Mutation Taster). The variant is not present in the gnomAD population database and has not been previously reported in clinical cases. Based on information available at the time of curation, this variant has been classified as a VARIANT of UNCERTAIN SIGNIFICANCE (VUS).

NM_133433.4(NIPBL):c.7414A>G (p.Met2472Val)

Gene: NIPBL (NIPBL cohesin loading factor; plus strand). Cytogenetic location: 5p13.2.
Variant type: single nucleotide variant.
Coding change: c.7414A>G on transcript NM_133433.4 (MANE Select); coding-DNA position 7414, A replaced by G.
Protein change: p.Met2472Val; replaces methionine 2472 with valine.
Molecular consequence: missense variant.
Genome position (GRCh38, 1-based): chr5:37,058,894, A>G. VCF-style: chr5-37058894-A-G. GRCh37 (hg19) VCF-style: chr5-37058996-A-G.
Other names: c.7414A>G, p.Met2472Val (NM_015384.5); short protein forms M2472V.
Identifiers: ClinVar variation 1806162 (VCV001806162.1), dbSNP rs1264310290, ClinGen allele CA359515155.